The following is an entry in ClinVar:

ClinVar aggregate classification (germline): Uncertain significance. Review status: criteria provided, multiple submitters, no conflicts (2 of 4 stars). 2 submissions from 2 submitters: Uncertain significance (2). Last evaluated 2025-04-03.

Conditions:
TTN-related disorder. Also called: TTN-related condition; TTN-related disease; TTN-related disorders.

Allele frequency attached by ClinVar (database versions not stated): ExAC 0.00001; gnomAD 0.00001.
gnomAD v4.1: 55 of 1,613,512 alleles (0.0034%); highest among the groups gnomAD compares: Middle Eastern, 0.033%; no homozygotes.

Submissions (2):

PreventionGenetics, part of Exact Sciences
Classification: Uncertain significance for TTN-related condition. Last evaluated: 2025-04-03. Review status: criteria provided, single submitter. Criteria: ACMG Guidelines, 2015. Collection method: clinical testing. Allele origin: germline.
Comment: The TTN c.94094G>A variant is predicted to result in the amino acid substitution p.Arg31365His. To our knowledge, this variant has not been reported in the literature. This variant is reported in 0.0056% of alleles in individuals of East Asian descent in gnomAD. At this time, the clinical significance of this variant is uncertain due to the absence of conclusive functional and genetic evidence.

Revvity Omics, Revvity
Classification: Uncertain significance. Last evaluated: 2019-08-13. Review status: criteria provided, single submitter. Criteria: ACMG Guidelines, 2015. Collection method: clinical testing. Allele origin: germline.

NM_001267550.2(TTN):c.94094G>A (p.Arg31365His)

Genes: TTN (titin; minus strand), TTN-AS1 (TTN antisense RNA 1; plus strand). Cytogenetic location: 2q31.2.
Variant type: single nucleotide variant.
Coding change: c.94094G>A on transcript NM_001267550.2 (MANE Select); coding-DNA position 94094, G replaced by A.
Protein change: p.Arg31365His; replaces arginine 31365 with histidine.
Molecular consequence: missense variant.
Genome position (GRCh38, 1-based): chr2:178,547,532, C>T on the plus strand (G>A on the coding strand, the complement: TTN is on the minus strand). VCF-style: chr2-178547532-C-T. GRCh37 (hg19) VCF-style: chr2-179412259-C-T.
Other names: c.89171G>A, p.Arg29724His (NM_001256850.1); c.66899G>A, p.Arg22300His (NM_003319.4); c.86390G>A, p.Arg28797His (NM_133378.4); c.67274G>A, p.Arg22425His (NM_133432.3); c.67475G>A, p.Arg22492His (NM_133437.4); short protein forms R22300H, R22425H, R22492H, R28797H, R29724H, R31365H.
Identifiers: ClinVar variation 2437891 (VCV002437891.4), dbSNP rs577262832, ClinGen allele CA1987199.